The following is an entry in ClinVar:

NM_001363118.2(SLC52A2):c.1201_1202delinsC (p.Gly401fs)

Gene: SLC52A2 (solute carrier family 52 member 2; plus strand). Cytogenetic location: 8q24.3.
Variant type: Indel.
Coding change: c.1201_1202delinsC on transcript NM_001363118.2 (MANE Select); coding-DNA positions 1201 to 1202, GG replaced by C.
Protein change: p.Gly401fs; shifts the reading frame from glycine 401.
Molecular consequence: frameshift variant. On other transcripts: non-coding transcript variant (1).
Genome position (GRCh38, 1-based): chr8:144,360,878-144,360,879, GG replaced by C. VCF-style: chr8-144360878-GG-C. GRCh37 (hg19) VCF-style: chr8-145584538-GG-C.
Other names: c.1201_1202delinsC, p.Gly401fs (NM_001253815.2, NM_001253816.2, NM_001363120.2 and 2 more transcripts); c.709_710delinsC, p.Gly237fs (NM_001363122.2); c.937_938delGGinsC, p.Gly313Profs (NM_001410949.1); short protein forms G237fs, G401fs.
Identifiers: ClinVar variation 1747539 (VCV001747539.2), dbSNP rs2537251153, ClinGen allele CA2580078685.

ClinVar aggregate classification (germline): Likely pathogenic (1 of 4 stars; one submission).

Conditions:
Inborn genetic diseases. Identifiers: MedGen C0950123, MeSH D030342.

Submission:

Ambry Genetics
Classification: Likely pathogenic for Inborn genetic diseases. Last evaluated: 2020-04-20. Review status: criteria provided, single submitter. Criteria: Ambry Variant Classification Scheme 2023. Collection method: clinical testing. Allele origin: germline.
Comment: The c.1201_1202delGGinsC variant, located in coding exon 4 of the SLC52A2 gene, results from the deletion of two nucleotides and insertion of one nucleotide causing a translational frameshift with a predicted alternate stop codon (p.G401Pfs*88). Frameshifts are typically deleterious in nature; however, this frameshift occurs at the 3' terminus of SLC52A2, is not expected to trigger nonsense-mediated mRNA decay, and results in the elongation of the protein by 42 amino acids. The exact functional impact of these altered amino acids is unknown at this time; however, disease-causing alterations have been reported downstream suggesting the region is critical to protein function (Foley AR et al. Brain, 2014 Jan;137:44-56). Based on the majority of available evidence to date, this variant is likely to be pathogenic.

Literature cited by the submitters: PubMed 24253200.